The following is an entry in ClinVar:

NM_020207.7(ERCC6L2):c.3492+2T>G

Gene: ERCC6L2 (ERCC excision repair 6 like 2; plus strand). Cytogenetic location: 9q22.32.
Variant type: single nucleotide variant.
Coding change: c.3492+2T>G on transcript NM_020207.7 (MANE Select); the canonical splice donor site of the intron after coding-DNA position 3492, T replaced by G.
Molecular consequence: splice donor variant.
Genome position (GRCh38, 1-based): chr9:95,978,217, T>G. VCF-style: chr9-95978217-T-G. GRCh37 (hg19) VCF-style: chr9-98740499-T-G.
Other names: c.3492+2T>G (NM_001375291.1, NM_001375292.1, NM_001375294.1 and 1 more transcripts).
Identifiers: ClinVar variation 813930 (VCV000813930.2), dbSNP rs1588013817, ClinGen allele CA658820700.

ClinVar aggregate classification (germline): Likely pathogenic (1 of 4 stars; one submission).

Conditions:
Pancytopenia-developmental delay syndrome. Also called: Bone marrow failure syndrome 2. Identifiers: Orphanet 401764, MedGen C3810350, MONDO:0014317, OMIM 615715.

Submission:

Broad Center for Mendelian Genomics, Broad Institute of MIT and Harvard
Classification: Likely pathogenic for Pancytopenia-developmental delay syndrome. Last evaluated: 2023-05-02. Review status: criteria provided, single submitter. Criteria: ACMG Guidelines, 2015. Collection method: curation. Allele origin: germline. Inheritance: Autosomal recessive inheritance.
Comment: The c.407+2T>G variant in ERCC6L2 has not been previously identified in individuals with bone marrow failure syndrome 2. This variant has also been reported in ClinVar (Variation ID: 813930) and has been interpreted as a variant of uncertain significance by the Broad Institute Rare Disease Group. This variant was absent from large population studies. This variant is located in the 5' splice region. Computational tools predict a splicing impact, though this information is not predictive enough to determine pathogenicity. Loss of function of the ERCC6L2 gene is strongly associated to autosomal recessive bone marrow failure syndrome 2. In summary, although additional studies are required to fully establish its clinical significance, this variant is likely pathogenic for autosomal recessive bone marrow failure syndrome 2. ACMG/AMP Criteria applied: PVS1_Strong, PM3_Supporting, PM2_Supporting (Richards 2015).